The following is an entry in ClinVar:

NM_001386298.1(CIC):c.7214G>A (p.Arg2405His)

Gene: CIC (capicua transcriptional repressor; plus strand). Cytogenetic location: 19q13.2.
Variant type: single nucleotide variant.
Coding change: c.7214G>A on transcript NM_001386298.1 (MANE Select); coding-DNA position 7214, G replaced by A.
Protein change: p.Arg2405His; replaces arginine 2405 with histidine.
Molecular consequence: missense variant.
Genome position (GRCh38, 1-based): chr19:42,294,851, G>A. VCF-style: chr19-42294851-G-A. GRCh37 (hg19) VCF-style: chr19-42799003-G-A.
Other names: c.7214G>A, p.Arg2405His (NM_001304815.2); c.7211G>A, p.Arg2404His (NM_001379480.1, NM_001379482.1); c.4481G>A, p.Arg1494His (NM_001379484.1); c.4478G>A, p.Arg1493His (NM_001379485.1); c.4487G>A, p.Arg1496His (NM_015125.5); short protein forms R1496H, R2405H, R1493H, R1494H, R2404H.
Identifiers: ClinVar variation 133918 (VCV000133918.1), dbSNP rs200799936, ClinGen allele CA158154.

ClinVar aggregate classification (germline): not provided (0 of 4 stars; one submission).

Allele frequency attached by ClinVar (database versions not stated): gnomAD 0.00001 and 0.00003; gnomAD exomes 0.00001; ExAC 0.00003; TOPMed 0.00004; ESP Exome Variant Server 0.00015; 1000 Genomes Project 30x 0.00031; 1000 Genomes Project 0.00040.
gnomAD v4.1: 27 of 1,601,352 alleles (0.0017%); highest among the groups gnomAD compares: African/African-American, 0.008%; no homozygotes.

Submission:

ITMI
No classification provided. Condition: AllHighlyPenetrant. Last evaluated: 2013-09-19. Review status: no classification provided. Collection method: reference population. Allele origin: germline.
Comment: Please see associated publication for description of ethnicities

Literature cited by the submitters: PubMed 24728327.